The following is an entry in ClinVar:

ClinVar aggregate classification (germline): Likely benign (1 of 4 stars; one submission).

Conditions:
Tuberous sclerosis syndrome (TSC). Also called: Tuberous Sclerosis Complex; Tuberous sclerosis. Identifiers: Orphanet 805, MedGen C0041341, MONDO:0001734.

Allele frequency attached by ClinVar (database versions not stated): gnomAD exomes below 0.00001; TOPMed below 0.00001.
gnomAD v4.1: 2 of 1,611,764 alleles (0.00012%); highest among the groups gnomAD compares: Non-Finnish European, 0.00017%; no homozygotes.

Submission:

All of Us Research Program, National Institutes of Health
Classification: Likely benign for Tuberous sclerosis syndrome. Last evaluated: 2023-12-13. Review status: criteria provided, single submitter. Criteria: ACMG Guidelines, 2015. Collection method: clinical testing. Allele origin: germline. Inheritance: Autosomal dominant inheritance. Observed: 1 variant allele, 1 heterozygote.
Comment: This study involves interpretation of variants in research participants for the purpose of population health screening. Participant phenotype was not available at the time of variant classification. Additional details can be found in publication PMID: 35346344, PMCID: PMC8962531

NM_000548.5(TSC2):c.2373C>T (p.Cys791=)

Gene: TSC2 (TSC complex subunit 2; plus strand). Cytogenetic location: 16p13.3.
Variant type: single nucleotide variant.
Coding change: c.2373C>T on transcript NM_000548.5 (MANE Select); coding-DNA position 2373, C replaced by T.
Protein change: p.Cys791=; no amino-acid change (cysteine 791 retained).
Molecular consequence: synonymous variant. On other transcripts: non-coding transcript variant (5).
Genome position (GRCh38, 1-based): chr16:2,074,217, C>T. VCF-style: chr16-2074217-C-T. GRCh37 (hg19) VCF-style: chr16-2124218-C-T.
Other names: c.1029C>T, p.Cys343= (NM_001406689.1, NM_001406690.1, NM_001406691.1 and 6 more transcripts); c.1911C>T, p.Cys637= (NM_001406681.1); c.1773C>T, p.Cys591= (NM_001406682.1, NM_001406683.1, NM_001406684.1 and 6 more transcripts); c.2373C>T, p.Cys791= (NM_001406665.1, NM_021055.3, NM_001077183.3 and 6 more transcripts); c.2463C>T, p.Cys821= (NM_001406667.1, NM_001406668.1); c.2262C>T, p.Cys754= (NM_001406670.1, NM_001406678.1, NM_001318827.2); c.771C>T, p.Cys257= (NM_001406698.1); c.2361C>T, p.Cys787= (NM_001406671.1, NM_001406673.1); and 3 more.
Identifiers: ClinVar variation 3074987 (VCV003074987.1), dbSNP rs2088913508, ClinGen allele CA492953032.